The following is an entry in ClinVar:

ClinVar aggregate classification (germline): Uncertain significance (1 of 4 stars; one submission).

Submission:

Labcorp Genetics (formerly Invitae), Labcorp
Classification: Uncertain significance. Last evaluated: 2023-12-07. Review status: criteria provided, single submitter. Criteria: Invitae Variant Classification Sherloc (09022015). Collection method: clinical testing. Allele origin: germline.
Comment: This sequence change replaces threonine, which is neutral and polar, with serine, which is neutral and polar, at codon 157 of the GABRB1 protein (p.Thr157Ser). This variant is not present in population databases (gnomAD no frequency). This variant has not been reported in the literature in individuals affected with GABRB1-related conditions. ClinVar contains an entry for this variant (Variation ID: 1510481). Advanced modeling of protein sequence and biophysical properties (such as structural, functional, and spatial information, amino acid conservation, physicochemical variation, residue mobility, and thermodynamic stability) performed at Invitae indicates that this missense variant is not expected to disrupt GABRB1 protein function with a negative predictive value of 80%. In summary, the available evidence is currently insufficient to determine the role of this variant in disease. Therefore, it has been classified as a Variant of Uncertain Significance.

NM_000812.4(GABRB1):c.470C>G (p.Thr157Ser)

Gene: GABRB1 (gamma-aminobutyric acid type A receptor subunit beta1; plus strand). Cytogenetic location: 4p12.
Variant type: single nucleotide variant.
Coding change: c.470C>G on transcript NM_000812.4 (MANE Select); coding-DNA position 470, C replaced by G.
Protein change: p.Thr157Ser; replaces threonine 157 with serine.
Molecular consequence: missense variant.
Genome position (GRCh38, 1-based): chr4:47,320,135, C>G. VCF-style: chr4-47320135-C-G. GRCh37 (hg19) VCF-style: chr4-47322152-C-G.
Other names: short protein forms T157S.
Identifiers: ClinVar variation 1510481 (VCV001510481.8), dbSNP rs2109962660, ClinGen allele CA356806787.